The following is an entry in ClinVar:

NM_052865.4(MGME1):c.566C>T (p.Pro189Leu)

Gene: MGME1 (mitochondrial genome maintenance exonuclease 1; plus strand). Cytogenetic location: 20p11.23.
Variant type: single nucleotide variant.
Coding change: c.566C>T on transcript NM_052865.4 (MANE Select); coding-DNA position 566, C replaced by T.
Protein change: p.Pro189Leu; replaces proline 189 with leucine.
Molecular consequence: missense variant. On other transcripts: intron variant (1).
Genome position (GRCh38, 1-based): chr20:17,975,738, C>T. VCF-style: chr20-17975738-C-T. GRCh37 (hg19) VCF-style: chr20-17956381-C-T.
Other names: c.611C>T, p.Pro204Leu (NM_001310338.2); c.326C>T, p.Pro109Leu (NM_001363738.2); c.511+5368C>T (NM_001310339.2); short protein forms P189L, P109L, P204L.
Identifiers: ClinVar variation 1914690 (VCV001914690.2), dbSNP rs779527875, ClinGen allele CA9774978.

ClinVar aggregate classification (germline): Uncertain significance (1 of 4 stars; one submission).

Allele frequency attached by ClinVar (database versions not stated): gnomAD exomes below 0.00001; TOPMed below 0.00001; ExAC 0.00001; gnomAD 0.00001.

Submission:

Labcorp Genetics (formerly Invitae), Labcorp
Classification: Uncertain significance. Last evaluated: 2022-08-28. Review status: criteria provided, single submitter. Criteria: Invitae Variant Classification Sherloc (09022015). Collection method: clinical testing. Allele origin: germline.
Comment: This sequence change replaces proline, which is neutral and non-polar, with leucine, which is neutral and non-polar, at codon 189 of the MGME1 protein (p.Pro189Leu). This variant is present in population databases (rs779527875, gnomAD 0.003%). This variant has not been reported in the literature in individuals affected with MGME1-related conditions. Algorithms developed to predict the effect of missense changes on protein structure and function output the following: SIFT: "Tolerated"; PolyPhen-2: "Benign"; Align-GVGD: "Class C0". The leucine amino acid residue is found in multiple mammalian species, which suggests that this missense change does not adversely affect protein function. In summary, the available evidence is currently insufficient to determine the role of this variant in disease. Therefore, it has been classified as a Variant of Uncertain Significance.